The following is an entry in ClinVar:

NM_001267550.2(TTN):c.99982G>A (p.Val33328Met)

Genes: TTN (titin; minus strand), TTN-AS1 (TTN antisense RNA 1; plus strand), LOC126806420 (BRD4-independent group 4 enhancer GRCh37_chr2:179401104-179402303; plus strand). Cytogenetic location: 2q31.2.
Variant type: single nucleotide variant.
Coding change: c.99982G>A on transcript NM_001267550.2 (MANE Select); coding-DNA position 99982, G replaced by A.
Protein change: p.Val33328Met; replaces valine 33328 with methionine.
Molecular consequence: missense variant.
Genome position (GRCh38, 1-based): chr2:178,537,127, C>T on the plus strand (G>A on the coding strand, the complement: TTN is on the minus strand). VCF-style: chr2-178537127-C-T. GRCh37 (hg19) VCF-style: chr2-179401854-C-T.
Other names: c.92278G>A (NM_133378.4); c.95059G>A, p.Val31687Met (NM_001256850.1); c.72787G>A, p.Val24263Met (NM_003319.4); c.73162G>A, p.Val24388Met (NM_133432.3); c.73363G>A, p.Val24455Met (NM_133437.4); short protein forms V33328M, V24388M, V24455M, V24263M, V31687M.
Identifiers: ClinVar variation 167757 (VCV000167757.15), dbSNP rs372302484, ClinGen allele CA235033.

ClinVar aggregate classification (germline): Conflicting classifications of pathogenicity. Review status: criteria provided, conflicting classifications (1 of 4 stars). 6 submissions from 6 submitters: Uncertain significance (5); Likely benign (1). Last evaluated 2026-03-05.

Conditions:
Cardiovascular phenotype. Identifiers: MedGen CN230736.
TTN-related disorder. Also called: TTN-related condition; TTN-related disease; TTN-related disorders.

Allele frequency attached by ClinVar (database versions not stated): gnomAD exomes 0.00001 and 0.00003; ExAC 0.00005; gnomAD 0.00011; TOPMed 0.00011; ESP Exome Variant Server 0.00025.
gnomAD v4.1: 36 of 1,613,364 alleles (0.0022%); highest among the groups gnomAD compares: African/African-American, 0.048%; no homozygotes.

Submissions (6):

PreventionGenetics, part of Exact Sciences
Classification: Uncertain significance for TTN-related condition. Last evaluated: 2026-03-05. Review status: criteria provided, single submitter. Criteria: ACMG Guidelines, 2015. Collection method: clinical testing. Allele origin: germline.
Comment: The TTN c.99982G>A variant is predicted to result in the amino acid substitution p.Val33328Met. To our knowledge, this variant has not been reported in the literature. This variant is reported in 0.041% of alleles in individuals of African descent in gnomAD. At this time, the clinical significance of this variant is uncertain due to the absence of conclusive functional and genetic evidence.

Women's Health and Genetics/Laboratory Corporation of America, LabCorp
Classification: Uncertain significance. Last evaluated: 2023-03-06. Review status: criteria provided, single submitter. Criteria: LabCorp Variant Classification Summary - May 2015. Collection method: clinical testing. Allele origin: germline.

Revvity Omics, Revvity
Classification: Uncertain significance. Last evaluated: 2020-10-06. Review status: criteria provided, single submitter. Criteria: ACMG Guidelines, 2015. Collection method: clinical testing. Allele origin: germline.

GeneDx
Classification: Likely benign. Last evaluated: 2019-05-10. Review status: criteria provided, single submitter. Criteria: GeneDx Variant Classification Process June 2021. Collection method: clinical testing. Allele origin: germline. Affected: yes.

Ambry Genetics
Classification: Uncertain significance for Cardiovascular phenotype. Last evaluated: 2019-01-09. Review status: criteria provided, single submitter. Criteria: Ambry Variant Classification Scheme 2023. Collection method: clinical testing. Allele origin: germline.
Comment: The p.V24263M variant (also known as c.72787G>A), located in coding exon 183 of the TTN gene, results from a G to A substitution at nucleotide position 72787. The valine at codon 24263 is replaced by methionine, an amino acid with highly similar properties. This amino acid position is highly conserved in available vertebrate species. In addition, this alteration is predicted to be tolerated by in silico analysis. Since supporting evidence is limited at this time, the clinical significance of this alteration remains unclear.

Eurofins Ntd Llc (ga)
Classification: Uncertain significance. Last evaluated: 2017-08-07. Review status: criteria provided, single submitter. Criteria: EGL Classification Definitions 2015. Collection method: clinical testing. Allele origin: germline. Observed: 3 variant alleles, 3 heterozygotes.